The following is an entry in ClinVar:

NM_000135.4(FANCA):c.710-12A>G

Gene: FANCA (FA complementation group A; minus strand). Cytogenetic location: 16q24.3.
Variant type: single nucleotide variant.
Coding change: c.710-12A>G on transcript NM_000135.4 (MANE Select); 12 bases into the intron before coding-DNA position 710, A replaced by G.
Molecular consequence: intron variant.
Genome position (GRCh38, 1-based): chr16:89,803,353, T>C on the plus strand (A>G on the coding strand, the complement: FANCA is on the minus strand). VCF-style: chr16-89803353-T-C. GRCh37 (hg19) VCF-style: chr16-89869761-T-C.
Other names: c.710-12A>G (LRG_495t1, NM_001286167.3, NM_001018112.3 and 1 more transcripts); c.614-12A>G (NM_001351830.2).
Identifiers: ClinVar variation 255269 (VCV000255269.29), dbSNP rs1800286, ClinGen allele CA8252828.

ClinVar aggregate classification (germline): Benign. Review status: criteria provided, multiple submitters, no conflicts (2 of 4 stars). 12 submissions from 12 submitters: Benign (11). 1 of the submissions does not count toward it. Last evaluated 2026-05-30.

Conditions:
Fanconi anemia (FA). Also called: Fanconi's anemia. Identifiers: Orphanet 84, MedGen C0015625, MeSH D005199, MONDO:0019391.
Fanconi anemia complementation group A (FANCA). Also called: Fanconi anemia, group A; FANCA-Related Fanconi Anemia. Identifiers: Orphanet 84, MedGen C3469521, MONDO:0009215, OMIM 227650.

Allele frequency attached by ClinVar (database versions not stated): gnomAD exomes 0.64381; ESP Exome Variant Server 0.69575; gnomAD 0.71452 and 0.71960; TOPMed 0.72860; 1000 Genomes Project 30x 0.84197; 1000 Genomes Project 0.84285.
gnomAD v4.1: 1,049,682 of 1,612,118 alleles (65%); highest among the groups gnomAD compares: East Asian, 98%; 350,575 homozygotes.

Submissions (12):

Women's Health and Genetics/Laboratory Corporation of America, LabCorp
Classification: Benign. Last evaluated: 2026-05-30. Review status: criteria provided, single submitter. Criteria: LabCorp Variant Classification Summary - May 2015. Collection method: clinical testing. Allele origin: germline.

Labcorp Genetics (formerly Invitae), Labcorp
Classification: Benign for Fanconi anemia. Last evaluated: 2026-02-04. Review status: criteria provided, single submitter. Criteria: Invitae Variant Classification Sherloc (09022015). Collection method: clinical testing. Allele origin: germline.

ARUP Laboratories, Molecular Genetics and Genomics, ARUP Laboratories
Classification: Benign for Fanconi anemia complementation group A. Last evaluated: 2025-07-28. Review status: criteria provided, single submitter. Criteria: ARUP Molecular Germline Variant Investigation Process 2024. Collection method: clinical testing. Allele origin: germline.

GeneKor MSA
Classification: Benign for Fanconi anemia complementation group A. Last evaluated: 2025-07-10. Review status: criteria provided, single submitter. Criteria: ACMG Guidelines, 2015. Collection method: clinical testing. Allele origin: germline.

Blueprint Genetics
Classification: Benign. Last evaluated: 2024-11-27. Review status: criteria provided, single submitter. Criteria: ACMG Guidelines, 2015. Collection method: clinical testing. Allele origin: germline.

KCCC/NGS Laboratory, Kuwait Cancer Control Center
Classification: Benign for Fanconi anemia complementation group A. Last evaluated: 2023-07-07. Review status: criteria provided, single submitter. Criteria: ACMG Guidelines, 2015. Collection method: clinical testing. Allele origin: germline. Affected: yes.

Genome-Nilou Lab
Classification: Benign for Fanconi anemia complementation group A. Last evaluated: 2021-07-08. Review status: criteria provided, single submitter. Criteria: ACMG Guidelines, 2015. Collection method: clinical testing. Allele origin: germline. Affected: no.

GeneDx
Classification: Benign. Last evaluated: 2019-01-14. Review status: criteria provided, single submitter. Criteria: GeneDx Variant Classification Process June 2021. Collection method: clinical testing. Allele origin: germline. Affected: yes.

Illumina Laboratory Services, Illumina
Classification: Benign for Fanconi anemia complementation group A. Last evaluated: 2018-01-13. Review status: criteria provided, single submitter. Criteria: ICSL Variant Classification Criteria 13 December 2019. Collection method: clinical testing. Allele origin: germline.
Comment: This variant was observed in the ICSL laboratory as part of a predisposition screen in an ostensibly healthy population. It had not been previously curated by ICSL or reported in the Human Gene Mutation Database (HGMD: prior to June 1st, 2018), and was therefore a candidate for classification through an automated scoring system. Utilizing variant allele frequency, disease prevalence and penetrance estimates, and inheritance mode, an automated score was calculated to assess if this variant is too frequent to cause the disease. Based on the score and internal cut-off values, a variant classified as benign is not then subjected to further curation. The score for this variant resulted in a classification of benign for this disease.

Breakthrough Genomics
Classification: Benign. Review status: criteria provided, single submitter. Criteria: ACMG Guidelines, 2015. Collection method: not provided. Allele origin: germline. Inheritance: Autosomal recessive inheritance. Affected: yes.

PreventionGenetics, part of Exact Sciences
Classification: Benign. Review status: criteria provided, single submitter. Criteria: ACMG Guidelines, 2015. Collection method: clinical testing. Allele origin: germline.

Natera, Inc.
Classification: Benign for Fanconi anemia. Last evaluated: 2019-11-18. Review status: no assertion criteria provided. Collection method: clinical testing. Allele origin: germline. Not counted in ClinVar's aggregate classification.